The following is an entry in ClinVar:

NM_001035.3(RYR2):c.6985G>A (p.Glu2329Lys)

Gene: RYR2 (ryanodine receptor 2; plus strand). Cytogenetic location: 1q43.
Variant type: single nucleotide variant.
Coding change: c.6985G>A on transcript NM_001035.3 (MANE Select); coding-DNA position 6985, G replaced by A.
Protein change: p.Glu2329Lys; replaces glutamic acid 2329 with lysine.
Molecular consequence: missense variant.
Genome position (GRCh38, 1-based): chr1:237,639,071, G>A. VCF-style: chr1-237639071-G-A. GRCh37 (hg19) VCF-style: chr1-237802371-G-A.
Other names: short protein forms E2329K.
Identifiers: ClinVar variation 2121288 (VCV002121288.4), dbSNP rs2546964185, ClinGen allele CA345395841.

ClinVar aggregate classification (germline): Uncertain significance (1 of 4 stars; one submission).

Conditions:
Catecholaminergic polymorphic ventricular tachycardia 1. Also called: VENTRICULAR TACHYCARDIA, CATECHOLAMINERGIC POLYMORPHIC, 1, WITH OR WITHOUT ATRIAL DYSFUNCTION AND/OR DILATED CARDIOMYOPATHY; RYR2-Related Catecholaminergic Polymorphic Ventricular Tachycardia; VENTRICULAR TACHYCARDIA, STRESS-INDUCED POLYMORPHIC 1. Identifiers: Orphanet 3286, MedGen C1631597, MONDO:0011484, OMIM 604772.

Submission:

Labcorp Genetics (formerly Invitae), Labcorp
Classification: Uncertain significance for Catecholaminergic polymorphic ventricular tachycardia 1. Last evaluated: 2024-06-03. Review status: criteria provided, single submitter. Criteria: Invitae Variant Classification Sherloc (09022015). Collection method: clinical testing. Allele origin: germline.
Comment: This sequence change replaces glutamic acid, which is acidic and polar, with lysine, which is basic and polar, at codon 2329 of the RYR2 protein (p.Glu2329Lys). This variant is not present in population databases (gnomAD no frequency). This variant has not been reported in the literature in individuals affected with RYR2-related conditions. ClinVar contains an entry for this variant (Variation ID: 2121288). Advanced modeling of protein sequence and biophysical properties (such as structural, functional, and spatial information, amino acid conservation, physicochemical variation, residue mobility, and thermodynamic stability) performed at Invitae indicates that this missense variant is expected to disrupt RYR2 protein function with a positive predictive value of 95%. In summary, the available evidence is currently insufficient to determine the role of this variant in disease. Therefore, it has been classified as a Variant of Uncertain Significance.